The following is an entry in ClinVar:

NM_017763.6(RNF43):c.1519C>A (p.Pro507Thr)

Gene: RNF43 (ring finger protein 43; minus strand). Cytogenetic location: 17q22.
Variant type: single nucleotide variant.
Coding change: c.1519C>A on transcript NM_017763.6 (MANE Select); coding-DNA position 1519, C replaced by A.
Protein change: p.Pro507Thr; replaces proline 507 with threonine.
Molecular consequence: missense variant.
Genome position (GRCh38, 1-based): chr17:58,358,257, G>T on the plus strand (C>A on the coding strand, the complement: RNF43 is on the minus strand). VCF-style: chr17-58358257-G-T. GRCh37 (hg19) VCF-style: chr17-56435618-G-T.
Other names: c.1519C>A (NM_017763.4); c.1519C>A, p.Pro507Thr (NM_001305544.3); c.1138C>A, p.Pro380Thr (NM_001305545.2); short protein forms P380T, P507T.
Identifiers: ClinVar variation 1064357 (VCV001064357.10), dbSNP rs1972743360, ClinGen allele CA400329536.
Genomic context (GRCh38, chr17:58,358,257, plus strand): 5'-TCACACTAGGCTGCATGTCCACTCGCTGGGGATCCCCTTTAGGGCTGCAGTACACTAGGG[G>T]GTCAAAGTCACTGCTTAGGGAGCTGCAGAAAGTAGAACTGCTGCCATGGACCCCCTGTAG-3'
Protein context (NP_060233.3, residues 497-517): FCSSLSSDFD[Pro507Thr]LVYCSPKGDP

ClinVar aggregate classification (germline): Uncertain significance. Review status: criteria provided, multiple submitters, no conflicts (2 of 4 stars). 2 submissions from 2 submitters: Uncertain significance (2). Last evaluated 2026-05-17.

Allele frequency attached by ClinVar (database versions not stated): gnomAD 0.00001.
gnomAD v4.1: 1 of 1,613,898 alleles (0.000062%); highest among the groups gnomAD compares: African/African-American, 0.0013%; no homozygotes.

Submissions (2):

Ambry Genetics
Classification: Uncertain significance. Last evaluated: 2026-05-17. Review status: criteria provided, single submitter. Criteria: Ambry Variant Classification Scheme 2023. Collection method: clinical testing. Allele origin: germline.
Comment: The p.P507T variant (also known as c.1519C>A), located in coding exon 8 of the RNF43 gene, results from a C to A substitution at nucleotide position 1519. The proline at codon 507 is replaced by threonine, an amino acid with highly similar properties. This amino acid position is conserved. In addition, this alteration is predicted to be tolerated by in silico analysis. Based on the available evidence, the clinical significance of this variant remains unclear.

Labcorp Genetics (formerly Invitae), Labcorp
Classification: Uncertain significance. Last evaluated: 2020-08-21. Review status: criteria provided, single submitter. Criteria: Invitae Variant Classification Sherloc (09022015). Collection method: clinical testing. Allele origin: germline.
Comment: In summary, the available evidence is currently insufficient to determine the role of this variant in disease. Therefore, it has been classified as a Variant of Uncertain Significance. Algorithms developed to predict the effect of missense changes on protein structure and function are either unavailable or do not agree on the potential impact of this missense change (SIFT: "Deleterious"; PolyPhen-2: "Possibly Damaging"; Align-GVGD: "Class C0"). This variant has not been reported in the literature in individuals with RNF43-related conditions. This variant is not present in population databases (ExAC no frequency). This sequence change replaces proline with threonine at codon 507 of the RNF43 protein (p.Pro507Thr). The proline residue is highly conserved and there is a small physicochemical difference between proline and threonine.